The following is an entry in ClinVar:

ClinVar aggregate classification (germline): Likely benign. Review status: criteria provided, multiple submitters, no conflicts (2 of 4 stars). 2 submissions from 2 submitters: Likely benign (2). Last evaluated 2021-04-08.

Allele frequency attached by ClinVar (database versions not stated): gnomAD exomes 0.00042 and 0.00104; ExAC 0.00114; 1000 Genomes Project 0.00359; ESP Exome Variant Server 0.00386; gnomAD 0.00388 and 0.00401; 1000 Genomes Project 30x 0.00390; TOPMed 0.00419.
gnomAD v4.1: 1,234 of 1,612,086 alleles (0.077%); highest among the groups gnomAD compares: African/African-American, 1.3%; 8 homozygotes.

Submissions (2):

GeneDx
Classification: Likely benign. Last evaluated: 2021-04-08. Review status: criteria provided, single submitter. Criteria: GeneDx Variant Classification Process June 2021. Collection method: clinical testing. Allele origin: germline. Affected: yes.
Comment: This variant is associated with the following publications: (PMID: 33111339)

Breakthrough Genomics
Classification: Likely benign. Review status: criteria provided, single submitter. Criteria: ACMG Guidelines, 2015. Collection method: not provided. Allele origin: germline. Inheritance: Autosomal recessive inheritance. Affected: yes.

NM_001367561.1(DOCK7):c.1683-10929T>G

Genes: ANGPTL3 (angiopoietin like 3; plus strand), DOCK7 (dedicator of cytokinesis 7; minus strand). Cytogenetic location: 1p31.3.
Variant type: single nucleotide variant.
Coding change: c.1683-10929T>G on transcript NM_001367561.1 (MANE Select); 10929 bases into the intron before coding-DNA position 1683, T replaced by G.
Molecular consequence: intron variant. On other transcripts: 5 prime UTR variant (1).
Genome position (GRCh38, 1-based): chr1:62,597,553, A>C on the plus strand (T>G on the coding strand, the complement: DOCK7 is on the minus strand). VCF-style: chr1-62597553-A-C. GRCh37 (hg19) VCF-style: chr1-63063224-A-C.
Other names: c.-14A>C (NM_014495.4); c.1683-10929T>G (NM_001272001.2, NM_001272000.2, NM_033407.4 and 3 more transcripts).
Identifiers: ClinVar variation 1300785 (VCV001300785.3), dbSNP rs10449755, ClinGen allele CA886492.
Genomic context (GRCh38, chr1:62,597,553, plus strand): 5'-AGAGTTAAGAAGTCTAGGTCTGCTTCCAGAAGAAAACAGTTCCACGTTGCTTGAAATTGA[A>C]AATCAAGATAAAAATGTTCACAATTAAGCTCCTTCTTTTTATTGTTCCTCTAGTTATTTC-3'